The following is an entry in ClinVar:

NM_004408.4(DNM1):c.588G>A (p.Gln196=)

Genes: DNM1 (dynamin 1; plus strand), LOC113839516 (Sharpr-MPRA regulatory region 8497; plus strand). Cytogenetic location: 9q34.11.
Variant type: single nucleotide variant.
Coding change: c.588G>A on transcript NM_004408.4 (MANE Select); coding-DNA position 588, G replaced by A.
Protein change: p.Gln196=; no amino-acid change (glutamine 196 retained).
Molecular consequence: synonymous variant.
Genome position (GRCh38, 1-based): chr9:128,219,251, G>A. VCF-style: chr9-128219251-G-A. GRCh37 (hg19) VCF-style: chr9-130981530-G-A.
Other names: c.588G>A, p.Gln196= (NM_001005336.3, NM_001288737.2, NM_001288738.2 and 2 more transcripts).
Identifiers: ClinVar variation 864165 (VCV000864165.10), dbSNP rs1834794265, ClinGen allele CA467271060.

ClinVar aggregate classification (germline): Uncertain significance (1 of 4 stars; one submission).

Conditions:
Developmental and epileptic encephalopathy, 31A. Also called: Developmental and epileptic encephalopathy, 31; Epileptic encephalopathy, early infantile, 31. Identifiers: Orphanet 2382, MedGen C4225357, MONDO:0014598, OMIM 616346.

Allele frequency attached by ClinVar (database versions not stated): TOPMed below 0.00001.

Submission:

Labcorp Genetics (formerly Invitae), Labcorp
Classification: Uncertain significance for Developmental and epileptic encephalopathy, 31A. Last evaluated: 2019-03-13. Review status: criteria provided, single submitter. Criteria: Invitae Variant Classification Sherloc (09022015). Collection method: clinical testing. Allele origin: germline.
Comment: Algorithms developed to predict the effect of sequence changes on RNA splicing suggest that this variant is not likely to affect RNA splicing, but this prediction has not been confirmed by published transcriptional studies. This variant has not been reported in the literature in individuals with DNM1-related conditions. This variant is not present in population databases (ExAC no frequency). This sequence change affects codon 196 of the DNM1 mRNA. It is a 'silent' change, meaning that it does not change the encoded amino acid sequence of the DNM1 protein. In summary, the available evidence is currently insufficient to determine the role of this variant in disease. Therefore, it has been classified as a Variant of Uncertain Significance.